The following is an entry in ClinVar:

ClinVar aggregate classification (germline): Uncertain significance. Review status: criteria provided, multiple submitters, no conflicts (2 of 4 stars). 7 submissions from 7 submitters: Uncertain significance (6). 1 of the submissions does not count toward it. Last evaluated 2026-09-17.

Conditions:
Atypical hemolytic-uremic syndrome with I factor anomaly. Also called: HEMOLYTIC UREMIC SYNDROME, ATYPICAL, SUSCEPTIBILITY TO, 3; AHUS, SUSCEPTIBILITY TO, 3. Identifiers: Orphanet 2134, MedGen C2752039, MONDO:0013041, OMIM 612923.
Age related macular degeneration 13. Identifiers: MedGen C3809523, MONDO:0014189, OMIM 615439.
Factor I deficiency (CFID). Also called: Complement factor I deficiency. Identifiers: Orphanet 200418, MedGen C3463916, MONDO:0012594, OMIM 610984.
Atypical hemolytic-uremic syndrome. Identifiers: Orphanet 2134, MedGen C2931788, MONDO:0016244.
CFI-related disorder. Also called: CFI-related disorders; CFI-related condition. Identifiers: MedGen CN239325.

Allele frequency attached by ClinVar (database versions not stated): ExAC 0.00002; ESP Exome Variant Server 0.00008; gnomAD 0.00014; TOPMed 0.00020; 1000 Genomes Project 0.00060; 1000 Genomes Project 30x 0.00094.
gnomAD v4.1: 35 of 1,612,504 alleles (0.0022%); highest among the groups gnomAD compares: Admixed American, 0.045%; no homozygotes.

Submissions (7):

Genomenon, Inc
Classification: Uncertain significance for Atypical hemolytic-uremic syndrome. Last evaluated: 2026-09-17. Review status: criteria provided, single submitter. Criteria: Genomenon Sequence Variant Interpretation Standards - Updated. Collection method: curation. Allele origin: germline. Affected: yes.
Comment: CFI p.Arg168Gly (c.502A>G) is a missense variant that changes the amino acid at codon 168 from Arginine to Glycine. This variant has been observed in at least one proband affected with atypical hemolytic-uremic syndrome (PMID:28840254;34748552). It is absent or not present at a significant frequency in gnomAD. In silico models predict that this variant is not damaging. In conclusion, we classify CFI p.Arg168Gly (c.502A>G) as a variant of uncertain significance.

Labcorp Genetics (formerly Invitae), Labcorp
Classification: Uncertain significance. Last evaluated: 2025-11-24. Review status: criteria provided, single submitter. Criteria: Invitae Variant Classification Sherloc (09022015). Collection method: clinical testing. Allele origin: germline.
Comment: This sequence change replaces arginine, which is basic and polar, with glycine, which is neutral and non-polar, at codon 168 of the CFI protein (p.Arg168Gly). This variant is present in population databases (rs147487058, gnomAD 0.006%). This missense change has been observed in individual(s) with atypical hemolytic uremic syndrome (PMID: 34748552). ClinVar contains an entry for this variant (Variation ID: 2179015). Invitae Evidence Modeling of protein sequence and biophysical properties (such as structural, functional, and spatial information, amino acid conservation, physicochemical variation, residue mobility, and thermodynamic stability) indicates that this missense variant is not expected to disrupt CFI protein function with a negative predictive value of 95%. In summary, the available evidence is currently insufficient to determine the role of this variant in disease. Therefore, it has been classified as a Variant of Uncertain Significance.

Dasa
Classification: Uncertain significance for complement factor I deficiency. Last evaluated: 2025-11-03. Review status: criteria provided, single submitter. Criteria: DASA Assertion Criteria. Collection method: clinical testing. Allele origin: germline.
Comment: NM_000204.5(CFI):c.502A>G (p.Arg168Gly) is a missense variant that results in the substitution of arginine with glycine. This variant is rare in population databases. Computational prediction algorithms are consistent with a benign effect. The currently available literature and clinical evidence are not sufficient to establish a definitive association between this variant and the reported condition. Therefore, this variant is classified as a variant of uncertain significance.

Women's Health and Genetics/Laboratory Corporation of America, LabCorp
Classification: Uncertain significance. Last evaluated: 2024-01-18. Review status: criteria provided, single submitter. Criteria: LabCorp Variant Classification Summary - May 2015. Collection method: clinical testing. Allele origin: germline.
Comment: Variant summary: CFI c.502A>G (p.Arg168Gly) results in a non-conservative amino acid change located in the SRCR domain (IPR001190) of the encoded protein sequence. Four of five in-silico tools predict a benign effect of the variant on protein function. The variant allele was found at a frequency of 4e-06 in 251186 control chromosomes (gnomAD). The available data on variant occurrences in the general population are insufficient to allow any conclusion about variant significance. c.502A>G has been reported in the literature in one individual affected with Atypical Hemolytic Uremic Syndrome (Nga_2021). The report does not provide unequivocal conclusions about association of the variant with Complement Factor I Deficiency. To our knowledge, no experimental evidence demonstrating an impact on protein function has been reported. The following publication have been ascertained in the context of this evaluation (PMID: 34748552). ClinVar contains an entry for this variant (Variation ID: 2179015). Based on the evidence outlined above, the variant was classified as uncertain significance.

Fulgent Genetics
Classification: Uncertain significance for Factor I deficiency; Atypical hemolytic-uremic syndrome with I factor anomaly; Age related macular degeneration 13. Last evaluated: 2023-12-28. Review status: criteria provided, single submitter. Criteria: ACMG Guidelines, 2015. Collection method: clinical testing. Allele origin: germline.

Mayo Clinic Laboratories, Mayo Clinic
Classification: Uncertain significance. Last evaluated: 2022-08-03. Review status: criteria provided, single submitter. Criteria: ACMG Guidelines, 2015. Collection method: clinical testing. Allele origin: germline. Observed: 1 variant allele.
Comment: BP4, PM2_supporting

PreventionGenetics, part of Exact Sciences
Classification: Uncertain significance for CFI-related condition. Last evaluated: 2024-07-08. Review status: no assertion criteria provided. Collection method: clinical testing. Allele origin: germline. Not counted in ClinVar's aggregate classification.
Comment: The CFI c.502A>G variant is predicted to result in the amino acid substitution p.Arg168Gly. This variant has been reported in the heterozygous state as a variant of uncertain significance in an individual with atypical hemolytic uremic syndrome, however this patient also had a heterozygous, pathogenic variant in CFH (Table S1, ID 20, Nga et al. 2021. PubMed ID: 34748552). This variant is reported in 0.0029% of alleles in individuals of Latino descent in gnomAD. At this time, the clinical significance of this variant is uncertain due to the absence of conclusive functional and genetic evidence.

Literature cited by the submitters: PubMed 28840254 (cited by Genomenon, Inc); PubMed 34748552 (cited by 4 submitters).

NM_000204.5(CFI):c.502A>G (p.Arg168Gly)

Gene: CFI (complement factor I; minus strand). Cytogenetic location: 4q25.
Variant type: single nucleotide variant.
Coding change: c.502A>G on transcript NM_000204.5 (MANE Select); coding-DNA position 502, A replaced by G.
Protein change: p.Arg168Gly; replaces arginine 168 with glycine.
Molecular consequence: missense variant. On other transcripts: 5 prime UTR variant (1), non-coding transcript variant (3).
Genome position (GRCh38, 1-based): chr4:109,761,673, T>C on the plus strand (A>G on the coding strand, the complement: CFI is on the minus strand). VCF-style: chr4-109761673-T-C. GRCh37 (hg19) VCF-style: chr4-110682829-T-C.
Other names: p.Arg168Gly; c.502A>G, p.Arg168Gly (NM_001318057.2, NM_001331035.2, NM_001375278.1 and 5 more transcripts); c.502A>G (NM_000204.4); c.-108A>G (NM_001375284.1); short protein forms R168G.
Identifiers: ClinVar variation 2179015 (VCV002179015.12), dbSNP rs147487058, ClinGen allele CA3042240.